The following is an entry in ClinVar:

ClinVar aggregate classification (germline): Likely pathogenic (1 of 4 stars; one submission).

Conditions:
Central core myopathy (CMYO1A). Also called: Central core disease; Myopathy, central fibrillar; CONGENITAL MYOPATHY 1A, AUTOSOMAL DOMINANT, WITH SUSCEPTIBILITY TO MALIGNANT HYPERTHERMIA. Identifiers: Orphanet 597, MedGen C5830701, MONDO:0007294, OMIM 117000.

Submission:

Human Genetics Bochum, Ruhr University Bochum
Classification: Likely pathogenic for Central core myopathy. Last evaluated: 2024-05-14. Review status: criteria provided, single submitter. Criteria: ACMG Guidelines, 2015. Collection method: clinical testing. Allele origin: germline. Affected: yes.
Comment: ACMG criteria used to clasify this variant: PM1, PM2_SUP, PM5_SUP, PP2, PP3

Literature cited by the submitters: PubMed 25086907.

NM_000540.3(RYR1):c.7354C>G (p.Arg2452Gly)

Gene: RYR1 (ryanodine receptor 1; plus strand). Cytogenetic location: 19q13.2.
Variant type: single nucleotide variant.
Coding change: c.7354C>G on transcript NM_000540.3 (MANE Select); coding-DNA position 7354, C replaced by G.
Protein change: p.Arg2452Gly; replaces arginine 2452 with glycine.
Molecular consequence: missense variant.
Genome position (GRCh38, 1-based): chr19:38,500,636, C>G. VCF-style: chr19-38500636-C-G. GRCh37 (hg19) VCF-style: chr19-38991276-C-G.
Other names: c.7354C>G, p.Arg2452Gly (NM_001042723.2); short protein forms R2452G.
Identifiers: ClinVar variation 4687995 (VCV004687995.1).